The following is an entry in ClinVar:

ClinVar aggregate classification (germline): Conflicting classifications of pathogenicity. Review status: criteria provided, conflicting classifications (1 of 4 stars). 2 submissions from 2 submitters: Uncertain significance (1); Benign (1). Last evaluated 2025-11-12.

Conditions:
Inborn genetic diseases. Identifiers: MedGen C0950123, MeSH D030342.

Allele frequency attached by ClinVar (database versions not stated): gnomAD exomes 0.00010; ExAC 0.00030; 1000 Genomes Project 30x 0.00047; 1000 Genomes Project 0.00060; ESP Exome Variant Server 0.00108; TOPMed 0.00111; gnomAD 0.00121.
gnomAD v4.1: 333 of 1,612,372 alleles (0.021%); highest among the groups gnomAD compares: African/African-American, 0.39%; no homozygotes.

Submissions (2):

Ambry Genetics
Classification: Uncertain significance for Inborn genetic diseases. Last evaluated: 2025-11-12. Review status: criteria provided, single submitter. Criteria: Ambry Variant Classification Scheme 2023. Collection method: clinical testing. Allele origin: germline.

CeGaT Center for Human Genetics Tuebingen
Classification: Benign. Last evaluated: 2024-05-01. Review status: criteria provided, single submitter. Criteria: CeGaT Center For Human Genetics Tuebingen Variant Classification Criteria Version 2. Collection method: clinical testing. Allele origin: germline. Affected: yes. Observed: 1 variant allele.
Comment: REV3L: BP4, BS1, BS2

NM_001372078.1(REV3L):c.5606G>T (p.Ser1869Ile)

Gene: REV3L (REV3 like, DNA directed polymerase zeta catalytic subunit; minus strand). Cytogenetic location: 6q21.
Variant type: single nucleotide variant.
Coding change: c.5606G>T on transcript NM_001372078.1 (MANE Select); coding-DNA position 5606, G replaced by T.
Protein change: p.Ser1869Ile; replaces serine 1869 with isoleucine.
Molecular consequence: missense variant.
Genome position (GRCh38, 1-based): chr6:111,372,749, C>A on the plus strand (G>T on the coding strand, the complement: REV3L is on the minus strand). VCF-style: chr6-111372749-C-A. GRCh37 (hg19) VCF-style: chr6-111693952-C-A.
Other names: c.5372G>T, p.Ser1791Ile (NM_001286431.2, NM_001286432.2); c.5606G>T, p.Ser1869Ile (NM_002912.5); short protein forms S1869I, S1791I.
Identifiers: ClinVar variation 2338873 (VCV002338873.21), dbSNP rs56347161, ClinGen allele CA3961835.